The following is an entry in ClinVar:

ClinVar aggregate classification (germline): Pathogenic (1 of 4 stars; one submission).

Submission:

Labcorp Genetics (formerly Invitae), Labcorp
Classification: Pathogenic. Last evaluated: 2022-05-08. Review status: criteria provided, single submitter. Criteria: Invitae Variant Classification Sherloc (09022015). Collection method: clinical testing. Allele origin: germline.
Comment: This premature translational stop signal has been observed in individual(s) with retinitis pigmentosa (PMID: 29159838). For these reasons, this variant has been classified as Pathogenic. This variant is not present in population databases (gnomAD no frequency). This sequence change creates a premature translational stop signal (p.Tyr1889Metfs*6) in the EYS gene. It is expected to result in an absent or disrupted protein product. Loss-of-function variants in EYS are known to be pathogenic (PMID: 18836446, 20333770).

Literature cited by the submitters: PubMed 29159838; PubMed 18836446; PubMed 20333770.

NM_001142800.2(EYS):c.5665del (p.Tyr1889fs)

Gene: EYS (EGF-like photoreceptor maintenance factor; minus strand). Cytogenetic location: 6q12.
Variant type: Deletion.
Coding change: c.5665del on transcript NM_001142800.2 (MANE Select); coding-DNA position 5665, one base deleted (T; older notation c.5665delT).
Protein change: p.Tyr1889fs; shifts the reading frame from tyrosine 1889.
Molecular consequence: frameshift variant.
Genome position (GRCh38, 1-based): chr6:64,439,332, A deleted on the plus strand (T on the coding strand, the reverse complement: EYS is on the minus strand); the first of 2 consecutive A bases (chr6:64,439,332-64,439,333); deleting either gives the same sequence. VCF-style (leftmost placement, unchanged base first): chr6-64439331-TA-T. GRCh37 (hg19) VCF-style: chr6-65149224-TA-T.
Other names: c.5665del, p.Tyr1889fs (NM_001292009.2); short protein forms Y1889fs.
Identifiers: ClinVar variation 2135607 (VCV002135607.4), dbSNP rs2533226464, ClinGen allele CA2580075654.